The following is an entry in ClinVar:

NM_021224.6(ZNF462):c.1976A>T (p.Gln659Leu)

Gene: ZNF462 (zinc finger protein 462; plus strand). Cytogenetic location: 9q31.2.
Variant type: single nucleotide variant.
Coding change: c.1976A>T on transcript NM_021224.6 (MANE Select); coding-DNA position 1976, A replaced by T.
Protein change: p.Gln659Leu; replaces glutamine 659 with leucine.
Molecular consequence: missense variant.
Genome position (GRCh38, 1-based): chr9:106,925,888, A>T. VCF-style: chr9-106925888-A-T. GRCh37 (hg19) VCF-style: chr9-109688169-A-T.
Other names: c.1976A>T, p.Gln659Leu (NM_001347997.2); short protein forms Q659L.
Identifiers: ClinVar variation 1306052 (VCV001306052.2), dbSNP rs2131464445, ClinGen allele CA374386765.
Genomic context (GRCh38, chr9:106,925,888, plus strand): 5'-TACCATTGGAAAATGAGACAGACAGCCACCCCTCTTCCAGCAACACTGTGAAGAAAAGTC[A>T]GACCTCAATTCTTGGGTTGTCCTCCAAGAACAATTTTGTAGCTAAAGCCTCTAGGAAGCT-3'
Protein context (NP_067047.4, residues 649-669): PSSSNTVKKS[Gln659Leu]TSILGLSSKN

ClinVar aggregate classification (germline): Uncertain significance (1 of 4 stars; one submission).

Submission:

GeneDx
Classification: Uncertain significance. Last evaluated: 2019-05-17. Review status: criteria provided, single submitter. Criteria: GeneDx Variant Classification Process June 2021. Collection method: clinical testing. Allele origin: germline. Affected: yes.
Comment: Not observed in large population cohorts (Lek et al., 2016); In silico analysis, which includes protein predictors and evolutionary conservation, supports that this variant does not alter protein structure/function; Has not been previously published as pathogenic or benign to our knowledge